The following is an entry in ClinVar:

NM_004714.3(DYRK1B):c.1722C>A (p.Asp574Glu)

Gene: DYRK1B (dual specificity tyrosine phosphorylation regulated kinase 1B; minus strand). Cytogenetic location: 19q13.2.
Variant type: single nucleotide variant.
Coding change: c.1722C>A on transcript NM_004714.3 (MANE Select); coding-DNA position 1722, C replaced by A.
Protein change: p.Asp574Glu; replaces aspartic acid 574 with glutamic acid.
Molecular consequence: missense variant.
Genome position (GRCh38, 1-based): chr19:39,825,883, G>T on the plus strand (C>A on the coding strand, the complement: DYRK1B is on the minus strand). VCF-style: chr19-39825883-G-T. GRCh37 (hg19) VCF-style: chr19-40316523-G-T.
Other names: c.1602C>A, p.Asp534Glu (NM_006483.3); c.1638C>A, p.Asp546Glu (NM_006484.3); short protein forms D534E, D574E, D546E.
Identifiers: ClinVar variation 4994169 (VCV004994169.1).

ClinVar aggregate classification (germline): Uncertain significance (1 of 4 stars; one submission).

Conditions:
DYRK1B-related disorder. Also called: DYRK1B-related condition.

Submission:

PreventionGenetics, part of Exact Sciences
Classification: Uncertain significance for DYRK1B-related condition. Last evaluated: 2025-12-29. Review status: criteria provided, single submitter. Criteria: ACMG Guidelines, 2015. Collection method: clinical testing. Allele origin: germline.
Comment: The DYRK1B c.1722C>A variant is predicted to result in the amino acid substitution p.Asp574Glu. To our knowledge, this variant has not been reported in the literature or in a large population database (gnomAD), indicating this variant is rare. At this time, the clinical significance of this variant is uncertain due to the absence of conclusive functional and genetic evidence.